The following is an entry in ClinVar:

NM_033380.3(COL4A5):c.2825_2826insACTGTCTCTTATACACATC (p.Ser942fs)

Gene: COL4A5 (collagen type IV alpha 5 chain; plus strand). Cytogenetic location: Xq22.3.
Variant type: Insertion.
Coding change: c.2825_2826insACTGTCTCTTATACACATC on transcript NM_033380.3 (MANE Select); coding-DNA positions 2825 to 2826, ACTGTCTCTTATACACATC inserted.
Protein change: p.Ser942fs; shifts the reading frame from serine 942.
Molecular consequence: frameshift variant.
Genome position: GRCh38 VCF-style: chrX-108622733-G-GACTGTCTCTTATACACATC. GRCh37 (hg19) VCF-style: chrX-107865963-G-GACTGTCTCTTATACACATC.
Other names: c.2825_2826insACTGTCTCTTATACACATC, p.Ser942fs (NM_000495.5); short protein forms S942fs.
Identifiers: ClinVar variation 5011674 (VCV005011674.1).
Genomic context (GRCh38, chrX:108,622,733, plus strand): 5'-TAGGTGATGATGGCTTGCAGGGTCAGCCAGGACTTCCTGGCCCTACAGGAGAAAAAGGTA[G>GACTGTCTCTTATACACATC]TAAAGGAGAGCCTGGCCTTCCAGGCCCTCCTGGACCAATGGATCCAAATCTTCTGGGCTC-3'

ClinVar aggregate classification (germline): Pathogenic (1 of 4 stars; one submission).

Conditions:
X-linked Alport syndrome (ATS1). Also called: NEPHROPATHY AND DEAFNESS, X-LINKED; COL4A5-Related Nephropathy. Identifiers: Orphanet 63, Orphanet 88917, MedGen C4746986, MONDO:0010520, OMIM 301050.

Submission:

Myriad Genetics, Inc.
Classification: Pathogenic for X-linked Alport syndrome. Last evaluated: 2023-09-15. Review status: criteria provided, single submitter. Criteria: Myriad Autosomal Dominant, Autosomal Recessive and X-Linked Classification Criteria (2023). Collection method: clinical testing. Allele origin: unknown.
Comment: NM_000495.4(COL4A5):c.2825_2826ins19(S942Rfs*8) is expected to be pathogenic in the context of X-linked Alport syndrome. This variant is predicted to lead to an abnormal or absent protein product due to the creation of a premature termination codon in COL4A5, a gene where loss-of-function variants are known to be pathogenic. Please note: this variant was assessed in the context of healthy population screening.